The following is an entry in ClinVar:

NM_001371623.1(TCOF1):c.1413GGA[2] (p.Glu473del)

Gene: TCOF1 (treacle ribosome biogenesis factor 1; plus strand). Cytogenetic location: 5q32.
Variant type: Microsatellite.
Coding change: c.1413GGA[2] on transcript NM_001371623.1 (MANE Select); two copies in a row of the 3-base unit GGA starting at c.1413; the reference has three copies in a row; one copy, 3 bases deleted.
Protein change: p.Glu473del; deletes glutamic acid 473.
Molecular consequence: inframe deletion.
Genome position (GRCh38, 1-based): chr5:150,375,094-150,375,096, GGA deleted; deleting any 3 consecutive bases within chr5:150,375,087-150,375,096 gives the same sequence; the position shown is the placement nearest the transcript's 3' end. VCF-style (leftmost placement, unchanged base first): chr5-150375086-CAGG-C. GRCh37 (hg19) VCF-style: chr5-149754649-CAGG-C.
Other names: c.1182GGA[2], p.Glu396del (NM_000356.4, NM_001135245.2); c.1413GGA[2], p.Glu473del (NM_001008657.3, NM_001135243.2, NM_001135244.2 and 1 more transcripts); short protein forms E396del, E473del.
Identifiers: ClinVar variation 1517136 (VCV001517136.8), dbSNP rs776561920, ClinGen allele CA3510855.

ClinVar aggregate classification (germline): Uncertain significance (1 of 4 stars; one submission).

Conditions:
Treacher Collins syndrome 1 (TCS1). Also called: TCOF1-Related Treacher Collins Syndrome. Identifiers: Orphanet 861, MedGen CN315775, MONDO:0007944, OMIM 154500.

Submission:

Labcorp Genetics (formerly Invitae), Labcorp
Classification: Uncertain significance for Treacher Collins syndrome 1. Last evaluated: 2022-07-05. Review status: criteria provided, single submitter. Criteria: Invitae Variant Classification Sherloc (09022015). Collection method: clinical testing. Allele origin: germline.
Comment: In summary, the available evidence is currently insufficient to determine the role of this variant in disease. Therefore, it has been classified as a Variant of Uncertain Significance. Experimental studies and prediction algorithms are not available or were not evaluated, and the functional significance of this variant is currently unknown. This variant has not been reported in the literature in individuals affected with TCOF1-related conditions. This variant is present in population databases (rs776561920, gnomAD 0.002%). This variant, c.1419_1421del, results in the deletion of 1 amino acid(s) of the TCOF1 protein (p.Glu473del), but otherwise preserves the integrity of the reading frame.